The following is an entry in ClinVar:

ClinVar aggregate classification (germline): Conflicting classifications of pathogenicity. Review status: criteria provided, conflicting classifications (1 of 4 stars). 3 submissions from 3 submitters: Uncertain significance (1); Likely benign (1). 1 of the submissions does not count toward it. Last evaluated 2022-12-30.

Conditions:
HMCN1-related disorder. Also called: HMCN1-related condition.
Age related macular degeneration 1 (ARMD1). Also called: MACULOPATHY, AGE-RELATED, 1. Identifiers: MedGen C1864205, MONDO:0011285, OMIM 603075.

Allele frequency attached by ClinVar (database versions not stated): gnomAD exomes below 0.00001 and 0.00001; gnomAD 0.00002; TOPMed 0.00002; ESP Exome Variant Server 0.00008.
gnomAD v4.1: 13 of 1,613,454 alleles (0.00081%); highest among the groups gnomAD compares: Non-Finnish European, 0.0011%; no homozygotes.

Submissions (3):

Labcorp Genetics (formerly Invitae), Labcorp
Classification: Likely benign. Last evaluated: 2022-12-30. Review status: criteria provided, single submitter. Criteria: Invitae Variant Classification Sherloc (09022015). Collection method: clinical testing. Allele origin: germline.

Illumina Laboratory Services, Illumina
Classification: Uncertain significance for Age related macular degeneration 1. Last evaluated: 2018-01-13. Review status: criteria provided, single submitter. Criteria: ICSL Variant Classification Criteria 13 December 2019. Collection method: clinical testing. Allele origin: germline.

PreventionGenetics, part of Exact Sciences
Classification: Likely benign for HMCN1-related condition. Last evaluated: 2019-09-18. Review status: no assertion criteria provided. Collection method: clinical testing. Allele origin: germline. Not counted in ClinVar's aggregate classification.
Comment: This variant is classified as likely benign based on ACMG/AMP sequence variant interpretation guidelines (Richards et al. 2015 PMID: 25741868, with internal and published modifications).

NM_031935.3(HMCN1):c.4647A>G (p.Lys1549=)

Gene: HMCN1 (hemicentin 1; plus strand). Cytogenetic location: 1q31.1.
Variant type: single nucleotide variant.
Coding change: c.4647A>G on transcript NM_031935.3 (MANE Select); coding-DNA position 4647, A replaced by G.
Protein change: p.Lys1549=; no amino-acid change (lysine 1549 retained).
Molecular consequence: synonymous variant.
Genome position (GRCh38, 1-based): chr1:186,015,175, A>G. VCF-style: chr1-186015175-A-G. GRCh37 (hg19) VCF-style: chr1-185984307-A-G.
Identifiers: ClinVar variation 875555 (VCV000875555.10), dbSNP rs146365142, ClinGen allele CA33453413.